The following is an entry in ClinVar:

ClinVar aggregate classification (germline): Uncertain significance. Review status: criteria provided, multiple submitters, no conflicts (2 of 4 stars). 3 submissions from 3 submitters: Uncertain significance (2). 1 of the submissions does not count toward it. Last evaluated 2026-06-11.

Conditions:
AIRE-related disorder. Also called: AIRE-related condition.
Polyglandular autoimmune syndrome, type 1 (APS1). Also called: AUTOIMMUNE POLYENDOCRINE SYNDROME, TYPE I, WITH OR WITHOUT REVERSIBLE METAPHYSEAL DYSPLASIA; Whitaker syndrome; Autoimmune polyendocrinopathy syndrome, type I; APS I; PGA I; Autoimmune polyendocrine syndrome type 1. Identifiers: Orphanet 3453, MedGen C0085859, MONDO:0009411, OMIM 240300.

Allele frequency attached by ClinVar (database versions not stated): gnomAD 0.00001; TOPMed 0.00002.
gnomAD v4.1: 23 of 1,605,884 alleles (0.0014%); highest among the groups gnomAD compares: African/African-American, 0.004%; no homozygotes.

Submissions (3):

PreventionGenetics, part of Exact Sciences
Classification: Uncertain significance for AIRE-related condition. Last evaluated: 2026-06-11. Review status: criteria provided, single submitter. Criteria: ACMG Guidelines, 2015. Collection method: clinical testing. Allele origin: germline.
Comment: The AIRE c.1214C>T variant is predicted to result in the amino acid substitution p.Pro405Leu. To our knowledge, this variant has not been reported in the literature. This variant is reported in 0.00096% of alleles in individuals of European (Non-Finnish) descent in gnomAD. At this time, the clinical significance of this variant is uncertain due to the absence of conclusive functional and genetic evidence.

Labcorp Genetics (formerly Invitae), Labcorp
Classification: Uncertain significance for Polyglandular autoimmune syndrome, type 1. Last evaluated: 2025-07-16. Review status: criteria provided, single submitter. Criteria: Invitae Variant Classification Sherloc (09022015). Collection method: clinical testing. Allele origin: germline.
Comment: This sequence change replaces proline, which is neutral and non-polar, with leucine, which is neutral and non-polar, at codon 405 of the AIRE protein (p.Pro405Leu). The frequency data for this variant in the population databases is considered unreliable, as metrics indicate poor data quality at this position in the gnomAD database. This variant has not been reported in the literature in individuals affected with AIRE-related conditions. ClinVar contains an entry for this variant (Variation ID: 947687). An algorithm developed to predict the effect of missense changes on protein structure and function outputs the following: PolyPhen-2: "Possibly Damaging". The leucine amino acid residue is found in multiple mammalian species, which suggests that this missense change does not adversely affect protein function. In summary, the available evidence is currently insufficient to determine the role of this variant in disease. Therefore, it has been classified as a Variant of Uncertain Significance.

Natera, Inc.
Classification: Uncertain significance for Polyglandular autoimmune syndrome type 1. Last evaluated: 2020-03-07. Review status: no assertion criteria provided. Collection method: clinical testing. Allele origin: germline. Not counted in ClinVar's aggregate classification.

NM_000383.4(AIRE):c.1214C>T (p.Pro405Leu)

Gene: AIRE (autoimmune regulator; plus strand). Cytogenetic location: 21q22.3.
Variant type: single nucleotide variant.
Coding change: c.1214C>T on transcript NM_000383.4 (MANE Select); coding-DNA position 1214, C replaced by T.
Protein change: p.Pro405Leu; replaces proline 405 with leucine.
Molecular consequence: missense variant.
Genome position (GRCh38, 1-based): chr21:44,293,111, C>T. VCF-style: chr21-44293111-C-T. GRCh37 (hg19) VCF-style: chr21-45712994-C-T.
Other names: short protein forms P405L.
Identifiers: ClinVar variation 947687 (VCV000947687.12), dbSNP rs769719554, ClinGen allele CA321795203.